The following is an entry in ClinVar:

ClinVar aggregate classification (germline): Likely pathogenic. Review status: criteria provided, single submitter (1 of 4 stars). 2 submissions from 2 submitters: Likely pathogenic (1). 1 of the submissions does not count toward it. Last evaluated 2025-08-10.

Submissions (2):

GeneDx
Classification: Likely pathogenic. Last evaluated: 2025-08-10. Review status: criteria provided, single submitter. Criteria: GeneDx Variant Classification Process June 2021. Collection method: clinical testing. Allele origin: germline. Affected: yes.
Comment: Nonsense variant predicted to result in protein truncation or nonsense mediated decay in a gene for which loss of function is a known mechanism of disease; Not observed at significant frequency in large population cohorts (gnomAD); Has not been previously published as pathogenic or benign to our knowledge

Gharavi Laboratory, Columbia University
Classification: Uncertain significance. Last evaluated: 2018-09-16. Review status: no assertion criteria provided. Criteria: ACMG Guidelines, 2015. Collection method: research. Allele origin: germline. Affected: yes. Not counted in ClinVar's aggregate classification.

NM_003737.4(DCHS1):c.2995C>T (p.Arg999Ter)

Gene: DCHS1 (dachsous cadherin-related 1; minus strand). Cytogenetic location: 11p15.4.
Variant type: single nucleotide variant.
Coding change: c.2995C>T on transcript NM_003737.4 (MANE Select); coding-DNA position 2995, C replaced by T.
Protein change: p.Arg999Ter; replaces arginine 999 with a stop codon.
Molecular consequence: nonsense.
Genome position (GRCh38, 1-based): chr11:6,632,517, G>A on the plus strand (C>T on the coding strand, the complement: DCHS1 is on the minus strand). VCF-style: chr11-6632517-G-A. GRCh37 (hg19) VCF-style: chr11-6653748-G-A.
Other names: c.2995C>T (NM_003737.3); short protein forms R999*.
Identifiers: ClinVar variation 591279 (VCV000591279.2), dbSNP rs1564865337, ClinGen allele CA379417857.
Genomic context (GRCh38, chr11:6,632,517, plus strand): 5'-CCTGAGTTCCAGCAGTGGTGCCTGAGGGCAGGTCCACACGGTAGGTAGGGCTGTTGAATC[G>A]GGGAGCCAGCCCACGGGTTCCCACATCCTGTACCACCACCCGTAGTCGAAAGTGGCTGGT-3'